The following is an entry in ClinVar:

ClinVar aggregate classification (germline): Pathogenic (1 of 4 stars; one submission).

Conditions:
Charlevoix-Saguenay spastic ataxia (SACS). Also called: AUTOSOMAL RECESSIVE SPASTIC ATAXIA OF CHARLEVOIX-SAGUENAY; Spastic ataxia of Charlevoix-Saguenay; SPASTIC ATAXIA 6, AUTOSOMAL RECESSIVE. Identifiers: Orphanet 98, MedGen C1849140, MONDO:0010041, OMIM 270550.

Submission:

Myriad Genetics, Inc.
Classification: Pathogenic for Charlevoix-Saguenay spastic ataxia. Last evaluated: 2026-08-04. Review status: criteria provided, single submitter. Criteria: Myriad Autosomal Dominant, Autosomal Recessive and X-Linked Classification Criteria (2023). Collection method: clinical testing. Allele origin: unknown.
Comment: NM_014363.4(SACS):c.8215_8216del2ins5(M2739*) is a nonsense variant classified as pathogenic in the context of autosomal recessive spastic ataxia of Charlevoix-Saguenay. M2739* has not been observed in cases with relevant disease. Relevant functional assessments of this variant are not available in the literature. M2739* has not been observed in referenced population frequency databases. In summary, NM_014363.4(SACS):c.8215_8216del2ins5(M2739*) is a nonsense variant in a gene where loss of function is a known mechanism of disease and is predicted to disrupt protein function. Please note: this variant was assessed in the context of healthy population screening.

NM_014363.6(SACS):c.8215_8216delinsTAGAA (p.Met2739Ter)

Gene: SACS (sacsin molecular chaperone; minus strand). Cytogenetic location: 13q12.12.
Variant type: Indel.
Coding change: c.8215_8216delinsTAGAA on transcript NM_014363.6 (MANE Select); coding-DNA positions 8215 to 8216, AT replaced by TAGAA.
Protein change: p.Met2739Ter; replaces methionine 2739 with a stop codon.
Molecular consequence: nonsense.
Genome position (GRCh38, 1-based): chr13:23,335,660-23,335,661, AT replaced by TTCTA on the plus strand (AT replaced by TAGAA on the coding strand, the reverse complement: SACS is on the minus strand). VCF-style: chr13-23335660-AT-TTCTA. GRCh37 (hg19) VCF-style: chr13-23909799-AT-TTCTA.
Other names: c.7774_7775delinsTAGAA, p.Met2592Ter (NM_001278055.2); c.8242_8243delinsTAGAA, p.Met2748Ter (NM_001437336.1); short protein forms M2592*, M2748*, M2739*.
Identifiers: ClinVar variation 5004831 (VCV005004831.1).